The following is an entry in ClinVar:

NM_012295.4(CABIN1):c.6553G>A (p.Val2185Met)

Gene: CABIN1 (calcineurin binding protein 1; plus strand). Cytogenetic location: 22q11.23.
Variant type: single nucleotide variant.
Coding change: c.6553G>A on transcript NM_012295.4 (MANE Select); coding-DNA position 6553, G replaced by A.
Protein change: p.Val2185Met; replaces valine 2185 with methionine.
Molecular consequence: missense variant.
Genome position (GRCh38, 1-based): chr22:24,178,086, G>A. VCF-style: chr22-24178086-G-A. GRCh37 (hg19) VCF-style: chr22-24574054-G-A.
Other names: c.6553G>A, p.Val2185Met (NM_001199281.1); c.6403G>A, p.Val2135Met (NM_001201429.2); short protein forms V2135M, V2185M.
Identifiers: ClinVar variation 775449 (VCV000775449.6), dbSNP rs144524781, ClinGen allele CA10150077.
Genomic context (GRCh38, chr22:24,178,086, plus strand): 5'-CAGTGCCCCGCCCGGCCCTCTCCGCAGTCAGCCATCCTTTCTGCCCAGTCTGCTGCCAAC[G>A]TGAGGAAGGAGAGCCTATGCCAGCCAGCCCTGGAGGTCCTGGAGACATCCAGCCAGGAGT-3'
Protein context (NP_036427.1, residues 2175-2195): AILSAQSAAN[Val2185Met]RKESLCQPAL

ClinVar aggregate classification (germline): Likely benign. Review status: criteria provided, multiple submitters, no conflicts (2 of 4 stars). 3 submissions from 3 submitters: Likely benign (2). 1 of the submissions does not count toward it. Last evaluated 2018-05-16.

Conditions:
CABIN1-related disorder. Also called: CABIN1-related condition.

Allele frequency attached by ClinVar (database versions not stated): 1000 Genomes Project 30x 0.00078; 1000 Genomes Project 0.00100; TOPMed 0.00210; gnomAD 0.00251 and 0.00257; gnomAD exomes 0.00272 and 0.00378; ExAC 0.00314; ESP Exome Variant Server 0.00346.
gnomAD v4.1: 5,818 of 1,613,810 alleles (0.36%); highest among the groups gnomAD compares: Non-Finnish European, 0.45%; 15 homozygotes.

Submissions (3):

Labcorp Genetics (formerly Invitae), Labcorp
Classification: Likely benign. Last evaluated: 2018-05-16. Review status: criteria provided, single submitter. Criteria: Invitae Variant Classification Sherloc (09022015). Collection method: clinical testing. Allele origin: germline.

Breakthrough Genomics
Classification: Likely benign. Review status: criteria provided, single submitter. Criteria: ACMG Guidelines, 2015. Collection method: not provided. Allele origin: germline. Inheritance: Unknown mechanism. Affected: yes.

PreventionGenetics, part of Exact Sciences
Classification: Likely benign for CABIN1-related condition. Last evaluated: 2019-12-19. Review status: no assertion criteria provided. Collection method: clinical testing. Allele origin: germline. Not counted in ClinVar's aggregate classification.
Comment: This variant is classified as likely benign based on ACMG/AMP sequence variant interpretation guidelines (Richards et al. 2015 PMID: 25741868, with internal and published modifications).